The following is an entry in ClinVar:

NM_006277.3(ITSN2):c.1183C>T (p.Arg395Cys)

Gene: ITSN2 (intersectin 2; minus strand). Cytogenetic location: 2p23.3.
Variant type: single nucleotide variant.
Coding change: c.1183C>T on transcript NM_006277.3 (MANE Select); coding-DNA position 1183, C replaced by T.
Protein change: p.Arg395Cys; replaces arginine 395 with cysteine.
Molecular consequence: missense variant.
Genome position (GRCh38, 1-based): chr2:24,300,070, G>A on the plus strand (C>T on the coding strand, the complement: ITSN2 is on the minus strand). VCF-style: chr2-24300070-G-A. GRCh37 (hg19) VCF-style: chr2-24522939-G-A.
Other names: c.1183C>T (NM_006277.2); c.1141C>T, p.Arg381Cys (NM_001348181.2, NM_001348184.2); c.1183C>T, p.Arg395Cys (NM_001348182.2, NM_001348183.2, NM_001348185.2 and 3 more transcripts); short protein forms R381C, R395C.
Identifiers: ClinVar variation 3016589 (VCV003016589.4), dbSNP rs367839713, ClinGen allele CA1551542.

ClinVar aggregate classification (germline): Uncertain significance. Review status: criteria provided, multiple submitters, no conflicts (2 of 4 stars). 2 submissions from 2 submitters: Uncertain significance (2). Last evaluated 2025-12-10.

Allele frequency attached by ClinVar (database versions not stated): gnomAD 0.00005; ExAC 0.00006; TOPMed 0.00008; gnomAD exomes 0.00010; ESP Exome Variant Server 0.00015.
gnomAD v4.1: 160 of 1,613,612 alleles (0.0099%); highest among the groups gnomAD compares: Admixed American, 0.015%; no homozygotes.

Submissions (2):

Ambry Genetics
Classification: Uncertain significance. Last evaluated: 2025-12-10. Review status: criteria provided, single submitter. Criteria: Ambry Variant Classification Scheme 2023. Collection method: clinical testing. Allele origin: germline.

Labcorp Genetics (formerly Invitae), Labcorp
Classification: Uncertain significance. Last evaluated: 2023-10-20. Review status: criteria provided, single submitter. Criteria: Invitae Variant Classification Sherloc (09022015). Collection method: clinical testing. Allele origin: germline.
Comment: This sequence change replaces arginine, which is basic and polar, with cysteine, which is neutral and slightly polar, at codon 395 of the ITSN2 protein (p.Arg395Cys). This variant is present in population databases (rs367839713, gnomAD 0.02%). This variant has not been reported in the literature in individuals affected with ITSN2-related conditions. Experimental studies and prediction algorithms are not available or were not evaluated, and the functional significance of this variant is currently unknown. In summary, the available evidence is currently insufficient to determine the role of this variant in disease. Therefore, it has been classified as a Variant of Uncertain Significance.